The following is an entry in ClinVar:

ClinVar aggregate classification (germline): Uncertain significance (1 of 4 stars; one submission).

Allele frequency attached by ClinVar (database versions not stated): TOPMed below 0.00001; ExAC 0.00001.
gnomAD v4.1: 11 of 1,614,148 alleles (0.00068%); highest among the groups gnomAD compares: Admixed American, 0.017%; no homozygotes.

Submission:

Labcorp Genetics (formerly Invitae), Labcorp
Classification: Uncertain significance. Last evaluated: 2025-11-03. Review status: criteria provided, single submitter. Criteria: Invitae Variant Classification Sherloc (09022015). Collection method: clinical testing. Allele origin: germline.
Comment: This sequence change replaces serine, which is neutral and polar, with asparagine, which is neutral and polar, at codon 21 of the DISP1 protein (p.Ser21Asn). This variant is present in population databases (rs765003653, gnomAD 0.003%). This variant has not been reported in the literature in individuals affected with DISP1-related conditions. ClinVar contains an entry for this variant (Variation ID: 2157176). An algorithm developed to predict the effect of missense changes on protein structure and function (PolyPhen-2) suggests that this variant is likely to be tolerated. In summary, the available evidence is currently insufficient to determine the role of this variant in disease. Therefore, it has been classified as a Variant of Uncertain Significance.

NM_001377229.1(DISP1):c.62G>A (p.Ser21Asn)

Gene: DISP1 (dispatched RND transporter family member 1; plus strand). Cytogenetic location: 1q41.
Variant type: single nucleotide variant.
Coding change: c.62G>A on transcript NM_001377229.1 (MANE Select); coding-DNA position 62, G replaced by A.
Protein change: p.Ser21Asn; replaces serine 21 with asparagine.
Molecular consequence: missense variant. On other transcripts: 5 prime UTR variant (1).
Genome position (GRCh38, 1-based): chr1:222,942,885, G>A. VCF-style: chr1-222942885-G-A. GRCh37 (hg19) VCF-style: chr1-223116227-G-A.
Other names: c.-826G>A (NM_001350630.2); c.62G>A, p.Ser21Asn (NM_001369594.1, NM_001377228.1, NM_032890.5); short protein forms S21N.
Identifiers: ClinVar variation 2157176 (VCV002157176.4), dbSNP rs765003653, ClinGen allele CA1408733.